The following is an entry in ClinVar:

ClinVar aggregate classification (germline): Pathogenic. Review status: reviewed by expert panel (3 of 4 stars). 6 submissions from 6 submitters: Pathogenic (1). 5 of the submissions do not count toward it. Last evaluated 2024-09-16.

Conditions:
Nemaline myopathy 2 (NEM2). Also called: Nemaline myopathy 2, autosomal recessive. Identifiers: MedGen C1850569, MONDO:0009725, OMIM 256030.
Nemaline myopathy. Also called: Myopathies, Nemaline. Identifiers: Orphanet 607, MedGen C0206157, MONDO:0018958.
NEB-related disorder. Also called: NEB-Related Disorders; NEB-related condition.

Allele frequency attached by ClinVar (database versions not stated): TOPMed below 0.00001; ExAC 0.00001; gnomAD exomes 0.00001.

Submissions (6):

ClinGen Congenital Myopathies Variant Curation Expert Panel, ClinGen
Classification: Pathogenic for Nemaline myopathy. Last evaluated: 2024-09-16. Review status: reviewed by expert panel. Criteria: ClinGen CongenMyopathy ACMG Specifications NEB V1.0.0. Collection method: curation. Allele origin: germline. Inheritance: Autosomal recessive inheritance.
Comment: The c.6937C>T (p.Arg2313Ter) variant in NEB is a nonsense variant predicted to cause a premature stop codon in biologically-relevant exon 52/182 and to lead to nonsense mediated decay in a gene in which loss-of-function is an established disease mechanism (PVS1). The highest population minor allele frequency in gnomAD v.4.1.0 is 0.00001669 (1/59924) in Admixed American which meets the threshold (MAF≤0.0000559) to apply PM2_Supporting. The variant was found in one proband with nemaline myopathy in the literature with a second nonsense variant identified in trans (PM3_Supporting, PMID: 25205138). In summary, this variant meets the criteria to be classified as pathogenic for autosomal recessive nemaline myopathy based on the ACMG/AMP criteria applied, as specified by the ClinGen Congenital Myopathies VCEP: PVS1, PM2_Supporting, PM3_Supporting (Congenital Myopathies VCEP specifications version 1; 09/16/2024)

Natera, Inc.
Classification: Likely pathogenic for Nemaline myopathy type 2. Last evaluated: 2025-09-11. Review status: criteria provided, single submitter. Criteria: Natera Variant Classification Schema (03/2026). Collection method: clinical testing. Allele origin: germline. Not counted in ClinVar's aggregate classification.
Comment: The c.6937C>T variant in NEB is a nonsense variant predicted to introduce a stop codon at amino acid 2313. This variant is expected to result in nonsense mediated decay, truncation, or a dysfunctional protein product. This variant is rare in the general population with a frequency below the threshold expected for the associated phenotype(s). Given the available evidence, this variant is classified as Likely Pathogenic.

Labcorp Genetics (formerly Invitae), Labcorp
Classification: Pathogenic for Nemaline myopathy 2. Last evaluated: 2023-05-27. Review status: criteria provided, single submitter. Criteria: Invitae Variant Classification Sherloc (09022015). Collection method: clinical testing. Allele origin: germline. Not counted in ClinVar's aggregate classification.
Comment: For these reasons, this variant has been classified as Pathogenic. ClinVar contains an entry for this variant (Variation ID: 552042). This premature translational stop signal has been observed in individual(s) with nemaline myopathy (PMID: 25205138). This variant is present in population databases (rs756363951, gnomAD 0.003%). This sequence change creates a premature translational stop signal (p.Arg2313*) in the NEB gene. It is expected to result in an absent or disrupted protein product. Loss-of-function variants in NEB are known to be pathogenic (PMID: 25205138).

PreventionGenetics, part of Exact Sciences
Classification: Pathogenic for NEB-related condition. Last evaluated: 2023-02-27. Review status: criteria provided, single submitter. Criteria: ACMG Guidelines, 2015. Collection method: clinical testing. Allele origin: germline. Not counted in ClinVar's aggregate classification.
Comment: The NEB c.6937C>T variant is predicted to result in premature protein termination (p.Arg2313*). This variant was reported in the compound heterozygous state in an individual with nemaline myopathy (Lehtokari et al 2014. PubMed ID: 25205138). This variant is reported in 0.0029% of alleles in individuals of Latino descent in gnomAD. Nonsense variants in NEB are expected to be pathogenic. This variant is interpreted as pathogenic.

Women's Health and Genetics/Laboratory Corporation of America, LabCorp
Classification: Likely pathogenic for Nemaline myopathy. Last evaluated: 2021-11-18. Review status: criteria provided, single submitter. Criteria: LabCorp Variant Classification Summary - May 2015. Collection method: clinical testing. Allele origin: germline. Not counted in ClinVar's aggregate classification.
Comment: Variant summary: NEB c.6937C>T (p.Arg2313X) results in a premature termination codon, predicted to cause a truncation of the encoded protein or absence of the protein due to nonsense mediated decay, which are commonly known mechanisms for disease. Truncations downstream of this position have been classified as pathogenic by our laboratory. The variant allele was found at a frequency of 8.1e-06 in 247738 control chromosomes (gnomAD). c.6937C>T has been reported in the literature in a family affected with Nemaline Myopathy 2 (Lehtokari_2014). To our knowledge, no experimental evidence demonstrating an impact on protein function has been reported. A ClinVar submitter (evaluation after 2014) cites the variant as likely pathogenic. Based on the evidence outlined above, the variant was classified as likely pathogenic.

Counsyl
Classification: Likely pathogenic for Nemaline myopathy 2. Last evaluated: 2017-05-19. Review status: no assertion criteria provided. Collection method: clinical testing. Allele origin: unknown. Not counted in ClinVar's aggregate classification.

Literature cited by the submitters: PubMed 25205138 (cited by 3 submitters).

NM_001164508.2(NEB):c.6937C>T (p.Arg2313Ter)

Gene: NEB (nebulin; minus strand). Cytogenetic location: 2q23.3.
Variant type: single nucleotide variant.
Coding change: c.6937C>T on transcript NM_001164508.2 (MANE Select); coding-DNA position 6937, C replaced by T.
Protein change: p.Arg2313Ter; replaces arginine 2313 with a stop codon.
Molecular consequence: nonsense.
Genome position (GRCh38, 1-based): chr2:151,650,864, G>A on the plus strand (C>T on the coding strand, the complement: NEB is on the minus strand). VCF-style: chr2-151650864-G-A. GRCh37 (hg19) VCF-style: chr2-152507378-G-A.
Other names: NM_001164508.2(NEB):c.6937C>T; p.Arg2313Ter; c.6937C>T, p.Arg2313Ter (NM_001164507.2, NM_001271208.2, NM_004543.5); short protein forms R2313*.
Identifiers: ClinVar variation 552042 (VCV000552042.11), dbSNP rs756363951, ClinGen allele CA1909950.